The following is an entry in ClinVar:

ClinVar aggregate classification (germline): Pathogenic (0 of 4 stars; one submission).

Conditions:
Focal dermal hypoplasia (FDH). Also called: Goltz syndrome. Identifiers: Orphanet 2092, MedGen C0016395, MONDO:0010592, OMIM 305600.

Submission:

Institute for Human Genetics, University Medical Center Freiburg
Classification: Pathogenic for Focal dermal hypoplasia. Last evaluated: 2017-05-27. Review status: no assertion criteria provided. Collection method: clinical testing. Allele origin: de novo. Affected: yes. Observed: 1 variant allele.
Comment: No extra-cutaneous features were noticed.

NM_203475.3(PORCN):c.1023+2T>A

Gene: PORCN (porcupine O-acyltransferase; plus strand). Cytogenetic location: Xp11.23.
Variant type: single nucleotide variant.
Coding change: c.1023+2T>A on transcript NM_203475.3 (MANE Select); the canonical splice donor site of the intron after coding-DNA position 1023, T replaced by A.
Molecular consequence: splice donor variant.
Genome position (GRCh38, 1-based): chrX:48,515,795, T>A. VCF-style: chrX-48515795-T-A. GRCh37 (hg19) VCF-style: chrX-48374183-T-A.
Other names: c.777+2T>A (NM_001282167.2); c.1008+2T>A (NM_203473.3); c.990+2T>A (NM_022825.4); c.1005+2T>A (NM_203474.1).
Identifiers: ClinVar variation 487811 (VCV000487811.3), dbSNP rs1556975151, ClinGen allele CA412848587.
Genomic context (GRCh38, chrX:48,515,795, plus strand): 5'-TCCGCCTGGGGACCTTCTCGGCTGTGCTGGTCACCTATGCAGCCAGCGCCCTCCTACATG[T>A]GAGCAGGGTGGAGCAGGATCAGGGTGGAAGCTGGGTGGGGGCGGGTGGCAGGGCCTCTTC-3'